The following is an entry in ClinVar:

ClinVar aggregate classification (germline): Likely pathogenic (1 of 4 stars; one submission).

Conditions:
Congenital myotonia, autosomal recessive form. Also called: BECKER DISEASE; Becker Generalized Myotonia; myotonia congenita, autosomal recessive. Identifiers: Orphanet 614, MedGen C0751360, MONDO:0009715, OMIM 255700.

gnomAD v4.1: 5 of 1,563,908 alleles (0.00032%); highest among the groups gnomAD compares: South Asian, 0.0012%; no homozygotes.

Submission:

Neuberg Centre For Genomic Medicine, NCGM
Classification: Likely pathogenic for Congenital myotonia, autosomal recessive form. Last evaluated: 2024-02-01. Review status: criteria provided, single submitter. Criteria: ACMG Guidelines, 2015. Collection method: clinical testing. Allele origin: germline. Inheritance: Autosomal recessive inheritance. Affected: yes.
Comment: The stop gained variant has not been reported previously as a pathogenic variant nor as a benign variant, to our knowledge. This variant is predicted to cause loss of normal protein function through protein truncation. Loss of function variants have been previously reported to be disease causing.

NM_000083.3(CLCN1):c.2083G>T (p.Glu695Ter)

Genes: CLCN1 (chloride voltage-gated channel 1; plus strand), LOC123956257 (Sharpr-MPRA regulatory region 4117; plus strand). Cytogenetic location: 7q34.
Variant type: single nucleotide variant.
Coding change: c.2083G>T on transcript NM_000083.3 (MANE Select); coding-DNA position 2083, G replaced by T.
Protein change: p.Glu695Ter; replaces glutamic acid 695 with a stop codon.
Molecular consequence: nonsense. On other transcripts: non-coding transcript variant (1).
Genome position (GRCh38, 1-based): chr7:143,345,673, G>T. VCF-style: chr7-143345673-G-T. GRCh37 (hg19) VCF-style: chr7-143042766-G-T.
Other names: short protein forms E695*.
Identifiers: ClinVar variation 3895524 (VCV003895524.1).